The following is an entry in ClinVar:

NM_153240.5(NPHP3):c.73G>T (p.Gly25Cys)

Genes: NPHP3 (nephrocystin 3; minus strand), NPHP3-ACAD11 (NPHP3-ACAD11 readthrough (NMD candidate); minus strand), NPHP3-AS1 (NPHP3 antisense RNA 1; plus strand), LOC129937586 (ATAC-STARR-seq lymphoblastoid silent region 14743; plus strand). Cytogenetic location: 3q22.1.
Variant type: single nucleotide variant.
Coding change: c.73G>T on transcript NM_153240.5 (MANE Select); coding-DNA position 73, G replaced by T.
Protein change: p.Gly25Cys; replaces glycine 25 with cysteine.
Molecular consequence: missense variant. On other transcripts: non-coding transcript variant (3).
Genome position (GRCh38, 1-based): chr3:132,722,283, C>A on the plus strand (G>T on the coding strand, the complement: NPHP3 is on the minus strand). VCF-style: chr3-132722283-C-A. GRCh37 (hg19) VCF-style: chr3-132441127-C-A.
Other names: short protein forms G25C.
Identifiers: ClinVar variation 2098212 (VCV002098212.4), dbSNP rs2530522889, ClinGen allele CA354590047.

ClinVar aggregate classification (germline): Uncertain significance (1 of 4 stars; one submission).

Conditions:
Nephronophthisis. Also called: Juvenile Nephronophthisis. Identifiers: Orphanet 655, MedGen C0687120, MONDO:0019005, HP:0000090.

Submission:

Labcorp Genetics (formerly Invitae), Labcorp
Classification: Uncertain significance for Nephronophthisis. Last evaluated: 2022-04-22. Review status: criteria provided, single submitter. Criteria: Invitae Variant Classification Sherloc (09022015). Collection method: clinical testing. Allele origin: germline.
Comment: In summary, the available evidence is currently insufficient to determine the role of this variant in disease. Therefore, it has been classified as a Variant of Uncertain Significance. Algorithms developed to predict the effect of missense changes on protein structure and function are either unavailable or do not agree on the potential impact of this missense change (SIFT: "Deleterious"; PolyPhen-2: "Possibly Damaging"; Align-GVGD: "Class C0"). This variant has not been reported in the literature in individuals affected with NPHP3-related conditions. This variant is not present in population databases (gnomAD no frequency). This sequence change replaces glycine, which is neutral and non-polar, with cysteine, which is neutral and slightly polar, at codon 25 of the NPHP3 protein (p.Gly25Cys).